The following is an entry in ClinVar:

NM_001197104.2(KMT2A):c.10397C>T (p.Thr3466Ile)

Gene: KMT2A (lysine methyltransferase 2A; plus strand). Cytogenetic location: 11q23.3.
Variant type: single nucleotide variant.
Coding change: c.10397C>T on transcript NM_001197104.2 (MANE Select); coding-DNA position 10397, C replaced by T.
Protein change: p.Thr3466Ile; replaces threonine 3466 with isoleucine.
Molecular consequence: missense variant.
Genome position (GRCh38, 1-based): chr11:118,506,289, C>T. VCF-style: chr11-118506289-C-T. GRCh37 (hg19) VCF-style: chr11-118377004-C-T.
Other names: c.10487C>T, p.Thr3496Ile (NM_001412597.1); c.10388C>T, p.Thr3463Ile (NM_005933.4); short protein forms T3463I, T3496I, T3466I.
Identifiers: ClinVar variation 2766950 (VCV002766950.3), dbSNP rs782673964, ClinGen allele CA6304738.

ClinVar aggregate classification (germline): Uncertain significance (1 of 4 stars; one submission).

Allele frequency attached by ClinVar (database versions not stated): gnomAD exomes below 0.00001; ExAC 0.00001.
gnomAD v4.1: 1 of 1,614,206 alleles (0.000062%); highest among the groups gnomAD compares: Non-Finnish European, 0.000085%; no homozygotes.

Submission:

Labcorp Genetics (formerly Invitae), Labcorp
Classification: Uncertain significance. Last evaluated: 2024-01-10. Review status: criteria provided, single submitter. Criteria: Invitae Variant Classification Sherloc (09022015). Collection method: clinical testing. Allele origin: germline.
Comment: This sequence change replaces threonine, which is neutral and polar, with isoleucine, which is neutral and non-polar, at codon 3466 of the KMT2A protein (p.Thr3466Ile). This variant is present in population databases (rs782673964, gnomAD 0.0009%). This variant has not been reported in the literature in individuals affected with KMT2A-related conditions. Advanced modeling of protein sequence and biophysical properties (such as structural, functional, and spatial information, amino acid conservation, physicochemical variation, residue mobility, and thermodynamic stability) performed at Invitae indicates that this missense variant is not expected to disrupt KMT2A protein function with a negative predictive value of 95%. In summary, the available evidence is currently insufficient to determine the role of this variant in disease. Therefore, it has been classified as a Variant of Uncertain Significance.